The following is an entry in ClinVar:

NM_173598.6(KSR2):c.1664A>C (p.Gln555Pro)

Gene: KSR2 (kinase suppressor of ras 2; minus strand). Cytogenetic location: 12q24.22.
Variant type: single nucleotide variant.
Coding change: c.1664A>C on transcript NM_173598.6 (MANE Select); coding-DNA position 1664, A replaced by C.
Protein change: p.Gln555Pro; replaces glutamine 555 with proline.
Molecular consequence: missense variant.
Genome position (GRCh38, 1-based): chr12:117,539,742, T>G on the plus strand (A>C on the coding strand, the complement: KSR2 is on the minus strand). VCF-style: chr12-117539742-T-G. GRCh37 (hg19) VCF-style: chr12-117977547-T-G.
Other names: short protein forms Q555P.
Identifiers: ClinVar variation 4981474 (VCV004981474.1).
Genomic context (GRCh38, chr12:117,539,742, plus strand): 5'-CGCTGCACCCCTCATGTCTCCCCAAGCATGGAGGTACCTGGCAGGTTGAAGTTCTTCTGC[T>G]GCCGTGTGCACTGTGGGGAAGGGTGTAGGGGAGAAGGCGGCGTGGCACTAGGAGGGAGGG-3'
Protein context (NP_775869.4, residues 545-565): PLHPSPQCTR[Gln555Pro]QKNFNLPASH

ClinVar aggregate classification (germline): Uncertain significance (1 of 4 stars; one submission).

Conditions:
KSR2-related disorder. Also called: KSR2-related condition.

gnomAD v4.1: 11 of 1,602,032 alleles (0.00069%); highest among the groups gnomAD compares: African/African-American, 0.013%; no homozygotes.

Submission:

PreventionGenetics, part of Exact Sciences
Classification: Uncertain significance for KSR2-related condition. Last evaluated: 2026-09-10. Review status: criteria provided, single submitter. Criteria: ACMG Guidelines, 2015. Collection method: clinical testing. Allele origin: germline.
Comment: The KSR2 c.1577A>C variant is predicted to result in the amino acid substitution p.Gln526Pro. To our knowledge, this variant has not been reported in the literature. This variant is reported in 0.021% of alleles in individuals of African descent in gnomAD. At this time, the clinical significance of this variant is uncertain due to the absence of conclusive functional and genetic evidence.